The following is an entry in ClinVar:

ClinVar aggregate classification (germline): Uncertain significance (1 of 4 stars; one submission).

Submission:

GeneDx
Classification: Uncertain significance. Last evaluated: 2019-11-07. Review status: criteria provided, single submitter. Criteria: GeneDx Variant Classification Process June 2021. Collection method: clinical testing. Allele origin: germline. Affected: yes.
Comment: Not observed in large population cohorts (Lek et al., 2016); In silico analysis, which includes protein predictors and evolutionary conservation, supports a deleterious effect; Has not been previously published as pathogenic or benign to our knowledge

NM_001457.4(FLNB):c.5446G>C (p.Val1816Leu)

Gene: FLNB (filamin B; plus strand). Cytogenetic location: 3p14.3.
Variant type: single nucleotide variant.
Coding change: c.5446G>C on transcript NM_001457.4 (MANE Select); coding-DNA position 5446, G replaced by C.
Protein change: p.Val1816Leu; replaces valine 1816 with leucine.
Molecular consequence: missense variant.
Genome position (GRCh38, 1-based): chr3:58,145,941, G>C. VCF-style: chr3-58145941-G-C. GRCh37 (hg19) VCF-style: chr3-58131668-G-C.
Other names: c.5539G>C, p.Val1847Leu (NM_001164317.2); c.5413G>C, p.Val1805Leu (NM_001164318.2); c.5374G>C, p.Val1792Leu (NM_001164319.2); short protein forms V1792L, V1805L, V1816L, V1847L.
Identifiers: ClinVar variation 1309960 (VCV001309960.2), dbSNP rs2097335219, ClinGen allele CA353354595.